The following is an entry in ClinVar:

ClinVar aggregate classification (germline): Likely benign (1 of 4 stars; one submission).

Allele frequency attached by ClinVar (database versions not stated): gnomAD 0.00001; gnomAD exomes 0.00001; ExAC 0.00003.
gnomAD v4.1: 13 of 1,528,378 alleles (0.00085%); highest among the groups gnomAD compares: Admixed American, 0.0042%; no homozygotes.

Submission:

Women's Health and Genetics/Laboratory Corporation of America, LabCorp
Classification: Likely benign. Last evaluated: 2023-10-03. Review status: criteria provided, single submitter. Criteria: LabCorp Variant Classification Summary - May 2015. Collection method: clinical testing. Allele origin: germline.
Comment: Variant summary: COL4A3BP c.480+19C>T alters a non-conserved nucleotide located at a position not widely known to affect splicing. Consensus agreement among computation tools predict no significant impact on normal splicing. However, these predictions have yet to be confirmed by functional studies. The variant allele was found at a frequency of 2.3e-05 in 174650 control chromosomes. The available data on variant occurrences in the general population are insufficient to allow any conclusion about variant significance. To our knowledge, no occurrence of c.480+19C>T in individuals affected with Intellectual Disability, Autosomal Dominant 34 and no experimental evidence demonstrating its impact on protein function have been reported. No submitters have cited clinical-significance assessments for this variant to ClinVar after 2014. Based on the evidence outlined above, the variant was classified as likely benign.

NM_001379029.1(CERT1):c.96+19C>T

Genes: CERT1 (ceramide transporter 1; minus strand), POLK (DNA polymerase kappa; plus strand). Cytogenetic location: 5q13.3.
Variant type: single nucleotide variant.
Coding change: c.96+19C>T on transcript NM_001379029.1 (MANE Select); 19 bases into the intron after coding-DNA position 96, C replaced by T.
Molecular consequence: intron variant.
Genome position (GRCh38, 1-based): chr5:75,511,093, G>A on the plus strand (C>T on the coding strand, the complement: CERT1 is on the minus strand). VCF-style: chr5-75511093-G-A. GRCh37 (hg19) VCF-style: chr5-74806918-G-A.
Other names: c.96+19C>T (NM_001379003.1, NM_031361.3, NM_001379002.1 and 2 more transcripts); c.480+19C>T (NM_001130105.1).
Identifiers: ClinVar variation 2637435 (VCV002637435.1), dbSNP rs758991949, ClinGen allele CA3309362.